The following is an entry in ClinVar:

ClinVar aggregate classification (germline): Uncertain significance (1 of 4 stars; one submission).

Conditions:
Baraitser-Winter syndrome 1 (BRWS1). Also called: PACHYGYRIA, MENTAL RETARDATION, EPILEPSY, AND CHARACTERISTIC FACIES; MENTAL RETARDATION WITH EPILEPSY AND CHARACTERISTIC FACIES; Cerebrofrontofacial syndrome; BARAITSER-WINTER SYNDROME 1, ATYPICAL. Identifiers: Orphanet 2649, Orphanet 2995, MedGen C1855722, MONDO:0009470, OMIM 243310.

gnomAD v4.1: 5 of 1,613,840 alleles (0.00031%); highest among the groups gnomAD compares: Non-Finnish European, 0.00042%; no homozygotes.

Submission:

Labcorp Genetics (formerly Invitae), Labcorp
Classification: Uncertain significance for Baraitser-Winter syndrome 1. Last evaluated: 2025-07-03. Review status: criteria provided, single submitter. Criteria: Invitae Variant Classification Sherloc (09022015). Collection method: clinical testing. Allele origin: germline.
Comment: This sequence change falls in intron 2 of the ACTB gene. It does not directly change the encoded amino acid sequence of the ACTB protein. It affects a nucleotide within the consensus splice site. This variant is not present in population databases (gnomAD no frequency). This variant has not been reported in the literature in individuals affected with ACTB-related conditions. Variants that disrupt the consensus splice site are a relatively common cause of aberrant splicing (PMID: 17576681, 9536098). Algorithms developed to predict the effect of sequence changes on RNA splicing suggest that this variant is not likely to affect RNA splicing. In summary, the available evidence is currently insufficient to determine the role of this variant in disease. Therefore, it has been classified as a Variant of Uncertain Significance.

Literature cited by the submitters: PubMed 17576681; PubMed 9536098.

NM_001101.5(ACTB):c.124-3C>A

Gene: ACTB (actin beta; minus strand). Cytogenetic location: 7p22.1.
Variant type: single nucleotide variant.
Coding change: c.124-3C>A on transcript NM_001101.5 (MANE Select); 3 bases into the intron before coding-DNA position 124, C replaced by A.
Molecular consequence: intron variant.
Genome position (GRCh38, 1-based): chr7:5,529,403, G>T on the plus strand (C>A on the coding strand, the complement: ACTB is on the minus strand). VCF-style: chr7-5529403-G-T. GRCh37 (hg19) VCF-style: chr7-5569034-G-T.
Identifiers: ClinVar variation 4805793 (VCV004805793.1).